The following is an entry in ClinVar:

ClinVar aggregate classification (germline): Uncertain significance (1 of 4 stars; one submission).

Conditions:
Inborn genetic diseases. Identifiers: MedGen C0950123, MeSH D030342.

gnomAD v4.1: 1 of 1,613,910 alleles (0.000062%); highest among the groups gnomAD compares: Non-Finnish European, 0.000085%; no homozygotes.

Submission:

Ambry Genetics
Classification: Uncertain significance for Inborn genetic diseases. Last evaluated: 2025-12-24. Review status: criteria provided, single submitter. Criteria: Ambry Variant Classification Scheme 2023. Collection method: clinical testing. Allele origin: germline.
Comment: The p.K825R variant (also known as c.2474A>G), located in coding exon 13 of the ASXL1 gene, results from an A to G substitution at nucleotide position 2474. The lysine at codon 825 is replaced by arginine, an amino acid with highly similar properties. This amino acid position is conserved. In addition, this alteration is predicted to be tolerated by in silico analysis. Based on the available evidence, the clinical significance of this variant remains unclear.

NM_015338.6(ASXL1):c.2474A>G (p.Lys825Arg)

Gene: ASXL1 (ASXL transcriptional regulator 1; plus strand). Cytogenetic location: 20q11.21.
Variant type: single nucleotide variant.
Coding change: c.2474A>G on transcript NM_015338.6 (MANE Select); coding-DNA position 2474, A replaced by G.
Protein change: p.Lys825Arg; replaces lysine 825 with arginine.
Molecular consequence: missense variant.
Genome position (GRCh38, 1-based): chr20:32,435,186, A>G. VCF-style: chr20-32435186-A-G. GRCh37 (hg19) VCF-style: chr20-31022989-A-G.
Other names: c.2291A>G, p.Lys764Arg (NM_001363734.1); short protein forms K764R, K825R.
Identifiers: ClinVar variation 4843649 (VCV004843649.1).
Genomic context (GRCh38, chr20:32,435,186, plus strand): 5'-CCACCGTTCCTGCAGACAATGGTCCCATTCCGTCTCTAGTGGGAGATGATACATTAGAGA[A>G]AGGAACTGGCCAAGCTCTTGACAGTCATCCCACTATGAAGGATCCTGTAAATGTGACCCC-3'
Protein context (NP_056153.2, residues 815-835): PSLVGDDTLE[Lys825Arg]GTGQALDSHP